The following is an entry in ClinVar:

NM_001144967.3(NEDD4L):c.410+3G>A

Gene: NEDD4L (NEDD4 like E3 ubiquitin protein ligase; plus strand). Cytogenetic location: 18q21.31.
Variant type: single nucleotide variant.
Coding change: c.410+3G>A on transcript NM_001144967.3 (MANE Select); 3 bases into the intron after coding-DNA position 410, G replaced by A.
Molecular consequence: intron variant.
Genome position (GRCh38, 1-based): chr18:58,322,489, G>A. VCF-style: chr18-58322489-G-A. GRCh37 (hg19) VCF-style: chr18-55989721-G-A.
Other names: c.410+3G>A (NM_015277.6, NM_001243960.2); c.47+3G>A (NM_001144964.1, NM_001144971.2, NM_001144965.2 and 2 more transcripts); c.386+3G>A (NM_001144968.2, NM_001144969.2).
Identifiers: ClinVar variation 2097206 (VCV002097206.4), dbSNP rs1239362722, ClinGen allele CA2580095947.

ClinVar aggregate classification (germline): Uncertain significance (1 of 4 stars; one submission).

Submission:

Labcorp Genetics (formerly Invitae), Labcorp
Classification: Uncertain significance. Last evaluated: 2022-02-12. Review status: criteria provided, single submitter. Criteria: Invitae Variant Classification Sherloc (09022015). Collection method: clinical testing. Allele origin: germline.
Comment: This variant has not been reported in the literature in individuals affected with NEDD4L-related conditions. This variant is not present in population databases (gnomAD no frequency). This sequence change falls in intron 7 of the NEDD4L gene. It does not directly change the encoded amino acid sequence of the NEDD4L protein. It affects a nucleotide within the consensus splice site. Variants that disrupt the consensus splice site are a relatively common cause of aberrant splicing (PMID: 17576681, 9536098). Algorithms developed to predict the effect of sequence changes on RNA splicing suggest that this variant is not likely to affect RNA splicing. In summary, the available evidence is currently insufficient to determine the role of this variant in disease. Therefore, it has been classified as a Variant of Uncertain Significance.

Literature cited by the submitters: PubMed 17576681; PubMed 9536098.